The following is an entry in ClinVar:

NM_007294.4(BRCA1):c.196A>C (p.Asn66His)

Gene: BRCA1 (BRCA1 DNA repair associated; minus strand). Cytogenetic location: 17q21.31.
Variant type: single nucleotide variant.
Coding change: c.196A>C on transcript NM_007294.4 (MANE Select); coding-DNA position 196, A replaced by C.
Protein change: p.Asn66His; replaces asparagine 66 with histidine.
Molecular consequence: missense variant.
Genome position (GRCh38, 1-based): chr17:43,106,472, T>G on the plus strand (A>C on the coding strand, the complement: BRCA1 is on the minus strand). VCF-style: chr17-43106472-T-G. GRCh37 (hg19) VCF-style: chr17-41258489-T-G.
Other names: c.196A>C, p.Asn66His (NM_001408408.1, NM_001408418.1, NM_001408419.1 and 168 more transcripts); c.55A>C, p.Asn19His (NM_001408410.1, NM_001408452.1, NM_001408453.1 and 99 more transcripts); short protein forms N19H, N66H.
Identifiers: ClinVar variation 868271 (VCV000868271.3), dbSNP rs2054774871, ClinGen allele CA10601777.
Genomic context (GRCh38, chr17:43,106,472, plus strand): 5'-TACTGTGGTTGCTTCCAACCTAGCATCATTACCAAATTATATACCTTTTGGTTATATCAT[T>G]CTTACATAAAGGACACTGTGAAGGCCCTTTCTTCTGGTTGAGAAGTTTCAGCATGCAAAA-3'
Protein context (NP_009225.1, residues 56-76): KGPSQCPLCK[Asn66His]DITKRSLQES

Conditions:
Breast-ovarian cancer, familial, susceptibility to, 1 (BROVCA1). Also called: BRCA1 Hereditary Breast and Ovarian Cancer; OVARIAN CANCER, SUSCEPTIBILITY TO. Identifiers: Orphanet 145, MedGen C2676676, MONDO:0011450, OMIM 604370. Disease mechanism: loss of function.

Submission:

Brotman Baty Institute, University of Washington
No classification provided (evidence only). Condition: Breast-ovarian cancer, familial 1. Review status: no classification provided. Collection method: in vitro. Allele origin: not applicable. Functional consequence: functionally_normal.
ClinVar note: "not provided" was previously submitted as the classification for the variant. However, the classification appeared to be based only on an observation of functional data so it was converted to no classification on 2025-07-30.